The following is an entry in ClinVar:

ClinVar aggregate classification (germline): Uncertain significance (1 of 4 stars; one submission).

Conditions:
Inflammatory bowel disease 28. Also called: Inflammatory bowel disease 28, early onset, autosomal recessive. Identifiers: Orphanet 238569, MedGen C2751053, MONDO:0013153, OMIM 613148.

Submission:

Labcorp Genetics (formerly Invitae), Labcorp
Classification: Uncertain significance for Inflammatory bowel disease 28. Last evaluated: 2020-03-06. Review status: criteria provided, single submitter. Criteria: Invitae Variant Classification Sherloc (09022015). Collection method: clinical testing. Allele origin: germline.
Comment: In summary, the available evidence is currently insufficient to determine the role of this variant in disease. Therefore, it has been classified as a Variant of Uncertain Significance. Algorithms developed to predict the effect of missense changes on protein structure and function output the following: SIFT: "Tolerated"; PolyPhen-2: "Benign"; Align-GVGD: "Class C0". The serine amino acid residue is found in multiple mammalian species, suggesting that this missense change does not adversely affect protein function. These predictions have not been confirmed by published functional studies and their clinical significance is uncertain. This variant has not been reported in the literature in individuals with IL10RA-related conditions. This variant is not present in population databases (ExAC no frequency). This sequence change replaces asparagine with serine at codon 177 of the IL10RA protein (p.Asn177Ser). The asparagine residue is highly conserved and there is a small physicochemical difference between asparagine and serine.

NM_001558.4(IL10RA):c.530A>G (p.Asn177Ser)

Gene: IL10RA (interleukin 10 receptor subunit alpha; plus strand). Cytogenetic location: 11q23.3.
Variant type: single nucleotide variant.
Coding change: c.530A>G on transcript NM_001558.4 (MANE Select); coding-DNA position 530, A replaced by G.
Protein change: p.Asn177Ser; replaces asparagine 177 with serine.
Molecular consequence: missense variant. On other transcripts: non-coding transcript variant (1).
Genome position (GRCh38, 1-based): chr11:117,993,403, A>G. VCF-style: chr11-117993403-A-G. GRCh37 (hg19) VCF-style: chr11-117864118-A-G.
Other names: short protein forms N177S.
Identifiers: ClinVar variation 1018213 (VCV001018213.8), dbSNP rs2058037125, ClinGen allele CA382774949.